The following is an entry in ClinVar:

ClinVar aggregate classification (germline): Uncertain significance. Review status: criteria provided, multiple submitters, no conflicts (2 of 4 stars). 3 submissions from 3 submitters: Uncertain significance (3). Last evaluated 2025-05-25.

Conditions:
Primary ciliary dyskinesia. Also called: Ciliary dyskinesia. Identifiers: Orphanet 244, MedGen C0008780, MONDO:0016575, HP:0012265.
Primary ciliary dyskinesia 15. Also called: CILIARY DYSKINESIA, PRIMARY, 15, WITH OR WITHOUT SITUS INVERSUS. Identifiers: Orphanet 244, MedGen C3151137, MONDO:0013435, OMIM 613808.

Allele frequency attached by ClinVar (database versions not stated): TOPMed below 0.00001; gnomAD 0.00001; gnomAD exomes 0.00002; ExAC 0.00012.

Submissions (3):

Ambry Genetics
Classification: Uncertain significance for Primary ciliary dyskinesia. Last evaluated: 2025-05-25. Review status: criteria provided, single submitter. Criteria: Ambry Variant Classification Scheme 2023. Collection method: clinical testing. Allele origin: germline.

Labcorp Genetics (formerly Invitae), Labcorp
Classification: Uncertain significance for Primary ciliary dyskinesia. Last evaluated: 2020-02-12. Review status: criteria provided, single submitter. Criteria: Invitae Variant Classification Sherloc (09022015). Collection method: clinical testing. Allele origin: germline.
Comment: In summary, the available evidence is currently insufficient to determine the role of this variant in disease. Therefore, it has been classified as a Variant of Uncertain Significance. Algorithms developed to predict the effect of missense changes on protein structure and function do not agree on the potential impact of this missense change (SIFT: "Deleterious"; PolyPhen-2: "Benign"; Align-GVGD: "Class C0"). This variant has not been reported in the literature in individuals with CCDC40-related disease. This variant is present in population databases (rs758068198, ExAC 0.3%). This sequence change replaces arginine with cysteine at codon 384 of the CCDC40 protein (p.Arg384Cys). The arginine residue is highly conserved and there is a large physicochemical difference between arginine and cysteine.

Illumina Laboratory Services, Illumina
Classification: Uncertain significance for Primary ciliary dyskinesia 15. Last evaluated: 2018-01-13. Review status: criteria provided, single submitter. Criteria: ICSL Variant Classification Criteria 13 December 2019. Collection method: clinical testing. Allele origin: germline.

NM_017950.4(CCDC40):c.1150C>T (p.Arg384Cys)

Gene: CCDC40 (coiled-coil domain 40 molecular ruler complex subunit; plus strand). Cytogenetic location: 17q25.3.
Variant type: single nucleotide variant.
Coding change: c.1150C>T on transcript NM_017950.4 (MANE Select); coding-DNA position 1150, C replaced by T.
Protein change: p.Arg384Cys; replaces arginine 384 with cysteine.
Molecular consequence: missense variant.
Genome position (GRCh38, 1-based): chr17:80,050,274, C>T. VCF-style: chr17-80050274-C-T. GRCh37 (hg19) VCF-style: chr17-78024073-C-T.
Other names: c.1150C>T, p.Arg384Cys (NM_001243342.2, NM_001330508.2); short protein forms R384C.
Identifiers: ClinVar variation 888635 (VCV000888635.14), dbSNP rs758068198, ClinGen allele CA8813697.